The following is an entry in ClinVar:

NC_000011.10:g.(?_22218246)_(22221210_?)del

Gene: ANO5 (anoctamin 5; plus strand). Cytogenetic location: 11p14.3.
Variant type: Deletion.
Identifiers: ClinVar variation 584414 (VCV000584414.1).

ClinVar aggregate classification (germline): Likely pathogenic (1 of 4 stars; one submission).

Conditions:
Autosomal recessive limb-girdle muscular dystrophy type 2L (LGMDR12). Also called: MUSCULAR DYSTROPHY, LIMB-GIRDLE, AUTOSOMAL RECESSIVE 12; Limb-girdle muscular dystrophy, type 2L; Limb-Girdle Muscular Dystrophy R12 Anoctamin-5-Related (LGMD-R12). Identifiers: Orphanet 206549, MedGen C1969785, MONDO:0012652, OMIM 611307.
Gnathodiaphyseal dysplasia (GDD). Also called: GNATHODIAPHYSEAL SCLEROSIS; OSTEOGENESIS IMPERFECTA WITH UNUSUAL SKELETAL LESIONS. Identifiers: Orphanet 53697, MedGen C1833736, MONDO:0008151, OMIM 166260.

Submission:

Labcorp Genetics (formerly Invitae), Labcorp
Classification: Likely pathogenic for Limb-girdle muscular dystrophy, type 2L; Gnathodiaphyseal dysplasia. Last evaluated: 2017-08-21. Review status: criteria provided, single submitter. Criteria: Invitae Variant Classification Sherloc (09022015). Collection method: clinical testing. Allele origin: germline.
Comment: This variant is an in-frame deletion of the genomic region encompassing exons 4-5 of the ANO5 gene. It preserves the integrity of the reading frame. This variant has not been reported in the literature in individuals with ANO5-related disease. A missense substitution (p.Arg58Trp) within exon 4 has been determined to be pathogenic (PMID: 27854218, 23041008, 23670307, 23607914). This suggests that the Arg48 residue is critical for ANO5 protein function and that deletion of this residue may also be pathogenic. In summary, the currently available evidence indicates that the variant is pathogenic, but additional data are needed to prove that conclusively. Therefore, this variant has been classified as Likely Pathogenic.

Literature cited by the submitters: PubMed 23670307; PubMed 23607914; PubMed 27854218; PubMed 23041008.